The following is an entry in ClinVar:

ClinVar aggregate classification (germline): Uncertain significance (1 of 4 stars; one submission).

Submission:

GeneDx
Classification: Uncertain significance. Last evaluated: 2017-02-08. Review status: criteria provided, single submitter. Criteria: GeneDx Variant Classification (06012015). Collection method: clinical testing. Allele origin: germline. Affected: yes.
Comment: The L818R variant in the LZTR1 gene has not been reported previously as a pathogenic variant, nor as a benign variant, to our knowledge. The L818R variant is not observed in large population cohorts (Lek et al., 2016; 1000 Genomes Consortium et al., 2015; Exome Variant Server). The L818R variant is a non-conservative amino acid substitution, which is likely to impact secondary protein structure as these residues differ in polarity, charge, size and/or other properties. This substitution occurs at a position where amino acids with similar properties to Leucine are tolerated across species. In silico analysis predicts this variant is probably damaging to the protein structure/function. We interpret L818R as a variant of uncertain significance.

NM_006767.4(LZTR1):c.2453T>G (p.Leu818Arg)

Gene: LZTR1 (leucine zipper like transcription regulator 1; plus strand). Cytogenetic location: 22q11.21.
Variant type: single nucleotide variant.
Coding change: c.2453T>G on transcript NM_006767.4 (MANE Select); coding-DNA position 2453, T replaced by G.
Protein change: p.Leu818Arg; replaces leucine 818 with arginine.
Molecular consequence: missense variant.
Genome position (GRCh38, 1-based): chr22:20,997,278, T>G. VCF-style: chr22-20997278-T-G. GRCh37 (hg19) VCF-style: chr22-21351567-T-G.
Other names: short protein forms L818R.
Identifiers: ClinVar variation 423192 (VCV000423192.2), dbSNP rs1064796286, ClinGen allele CA16621039.